The following is an entry in ClinVar:

NM_001005361.3(DNM2):c.1806G>C (p.Gln602His)

Gene: DNM2 (dynamin 2; plus strand). Cytogenetic location: 19p13.2.
Variant type: single nucleotide variant.
Coding change: c.1806G>C on transcript NM_001005361.3 (MANE Select); coding-DNA position 1806, G replaced by C.
Protein change: p.Gln602His; replaces glutamine 602 with histidine.
Molecular consequence: missense variant.
Genome position (GRCh38, 1-based): chr19:10,823,812, G>C. VCF-style: chr19-10823812-G-C. GRCh37 (hg19) VCF-style: chr19-10934488-G-C.
Other names: c.1806G>C, p.Gln602His (NM_001005360.3, NM_001190716.2); c.1794G>C, p.Gln598His (NM_001005362.3, NM_004945.4); short protein forms Q602H, Q598H.
Identifiers: ClinVar variation 1039593 (VCV001039593.8), dbSNP rs2073058875, ClinGen allele CA404040893.

ClinVar aggregate classification (germline): Uncertain significance (1 of 4 stars; one submission).

Conditions:
Charcot-Marie-Tooth disease dominant intermediate B (CMTDIB). Also called: CHARCOT-MARIE-TOOTH NEUROPATHY, DOMINANT INTERMEDIATE B; Charcot-Marie-Tooth disease dominant intermediate 1; CMT DI1; Charcot-Marie-Tooth disease dominant intermediate I. Identifiers: Orphanet 100044, Orphanet 228179, MedGen C1847902, MONDO:0011674, OMIM 606482.

Submission:

Labcorp Genetics (formerly Invitae), Labcorp
Classification: Uncertain significance for Charcot-Marie-Tooth disease dominant intermediate B. Last evaluated: 2021-03-09. Review status: criteria provided, single submitter. Criteria: Invitae Variant Classification Sherloc (09022015). Collection method: clinical testing. Allele origin: germline.
Comment: This sequence change replaces glutamine with histidine at codon 602 of the DNM2 protein (p.Gln602His). The glutamine residue is highly conserved and there is a small physicochemical difference between glutamine and histidine. This variant is not present in population databases (ExAC no frequency). This variant has not been reported in the literature in individuals with DNM2-related conditions. Algorithms developed to predict the effect of missense changes on protein structure and function are either unavailable or do not agree on the potential impact of this missense change (SIFT: "Deleterious"; PolyPhen-2: "Possibly Damaging"; Align-GVGD: "Class C0"). In summary, the available evidence is currently insufficient to determine the role of this variant in disease. Therefore, it has been classified as a Variant of Uncertain Significance.